The following is an entry in ClinVar:

NM_000368.5(TSC1):c.176A>T (p.His59Leu)

Gene: TSC1 (TSC complex subunit 1; minus strand). Cytogenetic location: 9q34.13.
Variant type: single nucleotide variant.
Coding change: c.176A>T on transcript NM_000368.5 (MANE Select); coding-DNA position 176, A replaced by T.
Protein change: p.His59Leu; replaces histidine 59 with leucine.
Molecular consequence: missense variant. On other transcripts: intron variant (1).
Genome position (GRCh38, 1-based): chr9:132,927,235, T>A on the plus strand (A>T on the coding strand, the complement: TSC1 is on the minus strand). VCF-style: chr9-132927235-T-A. GRCh37 (hg19) VCF-style: chr9-135802622-T-A.
Other names: c.176A>T, p.His59Leu (NM_001162426.2, NM_001162427.2); c.-153-1496A>T (NM_001362177.2); short protein forms H59L.
Identifiers: ClinVar variation 739008 (VCV000739008.11), dbSNP rs757837986, ClinGen allele CA029689.
Genomic context (GRCh38, chr9:132,927,235, plus strand): 5'-AATGCCTATGATATTTCAGCCATTACCTTGTCATGTGGCTCTTGCAAGGTGGTCAGGATG[T>A]GCAATGCCGGCTGAGAGCTGGTTTCCAGGTAATAATCCACCAAGGTGTTTACAAGCATAG-3'
Protein context (NP_000359.1, residues 49-69): YLETSSQPAL[His59Leu]ILTTLQEPHD

ClinVar aggregate classification (germline): Benign/Likely benign. Review status: criteria provided, multiple submitters, no conflicts (2 of 4 stars). 3 submissions from 3 submitters: Benign (1); Likely benign (2). Last evaluated 2025-08-01.

Conditions:
Hereditary cancer-predisposing syndrome. Also called: Hereditary neoplastic syndrome; Neoplastic Syndromes, Hereditary; Tumor predisposition; Hereditary Cancer Syndrome. Identifiers: Orphanet 140162, MedGen C0027672, MeSH D009386, MONDO:0015356.
Tuberous sclerosis 1 (TSC1). Identifiers: Orphanet 805, MedGen C1854465, MONDO:0008612, OMIM 191100.

Allele frequency attached by ClinVar (database versions not stated): gnomAD below 0.00001 and 0.00001; ExAC 0.00002; gnomAD exomes 0.00002.
gnomAD v4.1: 14 of 1,613,940 alleles (0.00087%); highest among the groups gnomAD compares: South Asian, 0.015%; 1 homozygote.

Submissions (3):

Ambry Genetics
Classification: Likely benign for Hereditary cancer-predisposing syndrome. Last evaluated: 2025-08-01. Review status: criteria provided, single submitter. Criteria: Ambry Variant Classification Scheme 2023. Collection method: clinical testing. Allele origin: germline.

Myriad Genetics, Inc.
Classification: Likely benign for Tuberous sclerosis 1. Last evaluated: 2025-04-07. Review status: criteria provided, single submitter. Criteria: Myriad Autosomal Dominant, Autosomal Recessive and X-Linked Classification Criteria (2023). Collection method: clinical testing. Allele origin: unknown.
Comment: This variant is considered likely benign. This variant has been observed at a population frequency that is significantly greater than expected given the associated disease prevalence and penetrance.

Labcorp Genetics (formerly Invitae), Labcorp
Classification: Benign for Tuberous sclerosis 1. Last evaluated: 2025-02-16. Review status: criteria provided, single submitter. Criteria: Invitae Variant Classification Sherloc (09022015). Collection method: clinical testing. Allele origin: germline.